The following is an entry in ClinVar:

ClinVar aggregate classification (germline): Benign. Review status: criteria provided, multiple submitters, no conflicts (2 of 4 stars). 11 submissions from 11 submitters: Benign (9). 2 of the submissions do not count toward it. Last evaluated 2026-02-04.

Conditions:
Autosomal recessive nonsyndromic hearing loss 30. Identifiers: Orphanet 90636, MedGen C1846784, MONDO:0011774, OMIM 607101.

Allele frequency attached by ClinVar (database versions not stated): ESP Exome Variant Server 0.66677; 1000 Genomes Project 0.66893; 1000 Genomes Project 30x 0.67270; gnomAD exomes 0.67727 and 0.68517; ExAC 0.67943; TOPMed 0.68095; gnomAD 0.69330 and 0.69434.
gnomAD v4.1: 1,087,580 of 1,586,116 alleles (69%); highest among the groups gnomAD compares: African/African-American, 71%; 375,414 homozygotes.

Submissions (11):

Labcorp Genetics (formerly Invitae), Labcorp
Classification: Benign. Last evaluated: 2026-02-04. Review status: criteria provided, single submitter. Criteria: Invitae Variant Classification Sherloc (09022015). Collection method: clinical testing. Allele origin: germline.

Blueprint Genetics
Classification: Benign. Last evaluated: 2024-11-27. Review status: criteria provided, single submitter. Criteria: ACMG Guidelines, 2015. Collection method: clinical testing. Allele origin: germline.

Genome-Nilou Lab
Classification: Benign for Autosomal recessive nonsyndromic hearing loss 30. Last evaluated: 2021-09-05. Review status: criteria provided, single submitter. Criteria: ACMG Guidelines, 2015. Collection method: clinical testing. Allele origin: germline. Affected: no.

Mayo Clinic Laboratories, Mayo Clinic
Classification: Benign. Last evaluated: 2020-12-09. Review status: criteria provided, single submitter. Criteria: ACMG Guidelines, 2015. Collection method: clinical testing. Allele origin: germline. Observed: 80 variant alleles.

Illumina Laboratory Services, Illumina
Classification: Benign for Autosomal recessive nonsyndromic hearing loss 30. Last evaluated: 2018-01-13. Review status: criteria provided, single submitter. Criteria: ICSL Variant Classification Criteria 13 December 2019. Collection method: clinical testing. Allele origin: germline.
Comment: This variant was observed in the ICSL laboratory as part of a predisposition screen in an ostensibly healthy population. It had not been previously curated by ICSL or reported in the Human Gene Mutation Database (HGMD: prior to June 1st, 2018), and was therefore a candidate for classification through an automated scoring system. Utilizing variant allele frequency, disease prevalence and penetrance estimates, and inheritance mode, an automated score was calculated to assess if this variant is too frequent to cause the disease. Based on the score and internal cut-off values, a variant classified as benign is not then subjected to further curation. The score for this variant resulted in a classification of benign for this disease.

GeneDx
Classification: Benign. Last evaluated: 2017-05-09. Review status: criteria provided, single submitter. Criteria: GeneDx Variant Classification (06012015). Collection method: clinical testing. Allele origin: germline. Affected: yes.
Comment: This variant is considered likely benign or benign based on one or more of the following criteria: it is a conservative change, it occurs at a poorly conserved position in the protein, it is predicted to be benign by multiple in silico algorithms, and/or has population frequency not consistent with disease.

Laboratory for Molecular Medicine, Mass General Brigham Personalized Medicine
Classification: Benign. Last evaluated: 2012-05-07. Review status: criteria provided, single submitter. Criteria: LMM Criteria. Collection method: clinical testing. Allele origin: germline. Observed: 1,463 variant alleles.
Comment: Val369Ile in Exon 12 of MYO3A: This variant is not expected to have clinical sig nificance because it has been identified in 34.8% (2443/7020) of European Americ an chromosomes from a broad population by the NHLBI Exome Sequencing Project (dbSNP rs3817420).

Breakthrough Genomics
Classification: Benign. Review status: criteria provided, single submitter. Criteria: ACMG Guidelines, 2015. Collection method: not provided. Allele origin: germline. Inheritance: Autosomal recessive inheritance. Affected: yes.

PreventionGenetics, part of Exact Sciences
Classification: Benign. Review status: criteria provided, single submitter. Criteria: ACMG Guidelines, 2015. Collection method: clinical testing. Allele origin: germline.

Diagnostic Laboratory, Department of Genetics, University Medical Center Groningen
Classification: Benign. Review status: no assertion criteria provided. Collection method: clinical testing. Allele origin: germline. Affected: yes. Study: VKGL Data-share Consensus. Not counted in ClinVar's aggregate classification.

Joint Genome Diagnostic Labs from Nijmegen and Maastricht, Radboudumc and MUMC+
Classification: Benign. Review status: no assertion criteria provided. Collection method: clinical testing. Allele origin: germline. Affected: yes. Study: VKGL Data-share Consensus. Not counted in ClinVar's aggregate classification.

NM_017433.5(MYO3A):c.1105G>A (p.Val369Ile)

Gene: MYO3A (myosin IIIA; plus strand). Cytogenetic location: 10p12.1.
Variant type: single nucleotide variant.
Coding change: c.1105G>A on transcript NM_017433.5 (MANE Select); coding-DNA position 1105, G replaced by A.
Protein change: p.Val369Ile; replaces valine 369 with isoleucine.
Molecular consequence: missense variant.
Genome position (GRCh38, 1-based): chr10:26,068,819, G>A. VCF-style: chr10-26068819-G-A. GRCh37 (hg19) VCF-style: chr10-26357748-G-A.
Other names: short protein forms V369I.
Identifiers: ClinVar variation 45797 (VCV000045797.27), dbSNP rs3817420, ClinGen allele CA137058.
Genomic context (GRCh38, chr10:26,068,819, plus strand): 5'-TTATTGCAGAATACAGTCTCAGAGCAACTTGAGAAGTGTTATTCCAGAGATCAGATCTAC[G>A]TCTATGTGGGAGACATACTCATTGCTCTTAACCCTTTTCAGAGTCTGGGTCTTTACTCCA-3'
Protein context (NP_059129.3, residues 359-379): EKCYSRDQIY[Val369Ile]YVGDILIALN